The following is an entry in ClinVar:

NM_025114.4(CEP290):c.742C>T (p.Gln248Ter)

Gene: CEP290 (centrosomal protein 290; minus strand). Cytogenetic location: 12q21.32.
Variant type: single nucleotide variant.
Coding change: c.742C>T on transcript NM_025114.4 (MANE Select); coding-DNA position 742, C replaced by T.
Protein change: p.Gln248Ter; replaces glutamine 248 with a stop codon.
Molecular consequence: nonsense.
Genome position (GRCh38, 1-based): chr12:88,129,804, G>A on the plus strand (C>T on the coding strand, the complement: CEP290 is on the minus strand). VCF-style: chr12-88129804-G-A. GRCh37 (hg19) VCF-style: chr12-88523581-G-A.
Other names: short protein forms Q248*.
Identifiers: ClinVar variation 1365111 (VCV001365111.6), dbSNP rs2138085855, ClinGen allele CA385985522.

ClinVar aggregate classification (germline): Pathogenic (1 of 4 stars; one submission).

Conditions:
Joubert syndrome. Also called: CEREBELLOPARENCHYMAL DISORDER IV; JOUBERT-BOLTSHAUSER SYNDROME; Familial aplasia of the vermis. Identifiers: Orphanet 475, MedGen C5979921, MONDO:0018772.
Nephronophthisis. Also called: Juvenile Nephronophthisis. Identifiers: Orphanet 655, MedGen C0687120, MONDO:0019005, HP:0000090.
Meckel-Gruber syndrome. Also called: DYSENCEPHALIA SPLANCHNOCYSTICA; GRUBER SYNDROME; Dysencephalia splachnocystica. Identifiers: Orphanet 564, MedGen C0265215, MONDO:0018921.

gnomAD v4.1: 2 of 1,469,008 alleles (0.00014%); highest among the groups gnomAD compares: Non-Finnish European, 0.00018%; no homozygotes.

Submission:

Labcorp Genetics (formerly Invitae), Labcorp
Classification: Pathogenic for Joubert syndrome; Meckel-Gruber syndrome; Nephronophthisis. Last evaluated: 2023-12-14. Review status: criteria provided, single submitter. Criteria: Invitae Variant Classification Sherloc (09022015). Collection method: clinical testing. Allele origin: germline.
Comment: This sequence change creates a premature translational stop signal (p.Gln248*) in the CEP290 gene. It is expected to result in an absent or disrupted protein product. Loss-of-function variants in CEP290 are known to be pathogenic (PMID: 16909394, 17345604, 20690115). This variant is not present in population databases (gnomAD no frequency). This variant has not been reported in the literature in individuals affected with CEP290-related conditions. ClinVar contains an entry for this variant (Variation ID: 1365111). For these reasons, this variant has been classified as Pathogenic.

Literature cited by the submitters: PubMed 16909394; PubMed 17345604; PubMed 20690115.